The following is an entry in ClinVar:

ClinVar aggregate classification (germline): Uncertain significance. Review status: criteria provided, multiple submitters, no conflicts (2 of 4 stars). 4 submissions from 4 submitters: Uncertain significance (4). Last evaluated 2024-08-16.

Conditions:
Nephronophthisis 4 (NPHP4). Also called: NEPHRONOPHTHISIS 4, JUVENILE. Identifiers: Orphanet 655, MedGen C1847013, MONDO:0011752, OMIM 606966.
Senior-Loken syndrome 4 (SLSN4). Identifiers: Orphanet 3156, MedGen C1846979, MONDO:0011756, OMIM 606996.

gnomAD v4.1: 2 of 1,613,960 alleles (0.00012%); highest among the groups gnomAD compares: Admixed American, 0.0017%; no homozygotes.

Submissions (4):

Blueprint Genetics
Classification: Uncertain significance. Last evaluated: 2024-08-16. Review status: criteria provided, single submitter. Criteria: ACMG Guidelines, 2015. Collection method: clinical testing. Allele origin: germline.

Fulgent Genetics
Classification: Uncertain significance for Nephronophthisis 4; Senior-Loken syndrome 4. Last evaluated: 2022-04-11. Review status: criteria provided, single submitter. Criteria: ACMG Guidelines, 2015. Collection method: clinical testing. Allele origin: unknown.

Women's Health and Genetics/Laboratory Corporation of America, LabCorp
Classification: Uncertain significance. Last evaluated: 2021-06-09. Review status: criteria provided, single submitter. Criteria: LabCorp Variant Classification Summary - May 2015. Collection method: clinical testing. Allele origin: germline.
Comment: Variant summary: NPHP4 c.96G>T (p.Gln32His) results in a non-conservative amino acid change in the encoded protein sequence. Five of five in-silico tools predict a damaging effect of the variant on protein function. The variant was absent in 249002 control chromosomes (gnomAD). The available data on variant occurrences in the general population are insufficient to allow any conclusion about variant significance. To our knowledge, no occurrence of c.96G>T in individuals affected with Nephronophthisis 4 and no experimental evidence demonstrating its impact on protein function have been reported. One ClinVar submitter (evaluation after 2014) cites the variant as uncertain significance. Based on the evidence outlined above, the variant was classified as uncertain significance.

Eurofins Ntd Llc (ga)
Classification: Uncertain significance. Last evaluated: 2017-11-15. Review status: criteria provided, single submitter. Criteria: EGL Classification Definitions 2015. Collection method: clinical testing. Allele origin: germline. Observed: 2 variant alleles, 2 heterozygotes.

NM_015102.5(NPHP4):c.96G>T (p.Gln32His)

Gene: NPHP4 (nephrocystin 4; minus strand). Cytogenetic location: 1p36.31.
Variant type: single nucleotide variant.
Coding change: c.96G>T on transcript NM_015102.5 (MANE Select); coding-DNA position 96, G replaced by T.
Protein change: p.Gln32His; replaces glutamine 32 with histidine.
Molecular consequence: missense variant. On other transcripts: 5 prime UTR variant (1), non-coding transcript variant (1), intron variant (1).
Genome position (GRCh38, 1-based): chr1:5,986,194, C>A on the plus strand (G>T on the coding strand, the complement: NPHP4 is on the minus strand). VCF-style: chr1-5986194-C-A. GRCh37 (hg19) VCF-style: chr1-6046254-C-A.
Other names: c.-1134G>T (NM_001291593.2); c.-1088+6050G>T (NM_001291594.2); short protein forms Q32H.
Identifiers: ClinVar variation 595012 (VCV000595012.8), dbSNP rs776102193, ClinGen allele CA338055009.
Genomic context (GRCh38, chr1:5,986,194, plus strand): 5'-GCTAACAGCACATTTTGTTACCTGCCTAATTACCGGTCCGTCCAGCCACTTGAGGACACA[C>A]TGGAATGCCGTGGATTCCTTCCAAGGCTGGCGCGCTCTCTGTGGGTGGGGAGGGACAAGC-3'
Protein context (NP_055917.1, residues 22-42): RQPWKESTAF[Gln32His]CVLKWLDGPV